The following is an entry in ClinVar:

ClinVar aggregate classification (germline): Likely pathogenic (1 of 4 stars; one submission).

Conditions:
Hereditary pheochromocytoma and paraganglioma. Also called: Hereditary Paraganglioma-Pheochromocytoma Syndromes; Hereditary pheochromocytoma-paraganglioma; Hereditary paragangliomas and pheochromocytomas. Identifiers: Orphanet 29072, MedGen C4274332, MONDO:0017366.

Submission:

Labcorp Genetics (formerly Invitae), Labcorp
Classification: Likely pathogenic for Hereditary pheochromocytoma and paraganglioma. Last evaluated: 2023-07-16. Review status: criteria provided, single submitter. Criteria: Invitae Variant Classification Sherloc (09022015). Collection method: clinical testing. Allele origin: germline.
Comment: This variant disrupts the C-terminal domain of the MAX protein, which is essential for protein localization to the nucleus and suppression of MYC transactivation activity (PMID: 1459463, 1730412, 7630640). While functional studies have not been performed to directly test the effect of this variant on MAX protein function, this suggests that disruption of this region of the protein is causative of disease. In summary, the currently available evidence indicates that the variant is pathogenic, but additional data are needed to prove that conclusively. Therefore, this variant has been classified as Likely Pathogenic. This variant has not been reported in the literature in individuals affected with MAX-related conditions. This sequence change creates a premature translational stop signal (p.Lys104Cysfs*45) in the MAX gene. While this is not anticipated to result in nonsense mediated decay, it is expected to disrupt the last 57 amino acid(s) of the MAX protein. This variant is not present in population databases (gnomAD no frequency).

Literature cited by the submitters: PubMed 1459463; PubMed 1730412; PubMed 7630640.

NM_002382.5(MAX):c.300_309dup (p.Lys104fs)

Gene: MAX (MYC associated transcriptional regulator X; minus strand). Cytogenetic location: 14q23.3.
Variant type: Duplication.
Coding change: c.300_309dup on transcript NM_002382.5 (MANE Select); coding-DNA positions 300 to 309, 10 bases duplicated (TGCACTGGAG; older notation c.300_309dupTGCACTGGAG).
Protein change: p.Lys104fs; shifts the reading frame from lysine 104.
Molecular consequence: frameshift variant. On other transcripts: non-coding transcript variant (7), intron variant (2), 3 prime UTR variant (12).
Genome position (GRCh38, 1-based): chr14:65,076,650-65,076,659, CTCCAGTGCA duplicated on the plus strand (TGCACTGGAG on the coding strand, the reverse complement: MAX is on the minus strand); duplicating any 10 consecutive bases within chr14:65,076,650-65,076,660 gives the same sequence; the c. name uses the placement nearest the transcript's 3' end. VCF-style (leftmost placement, unchanged base first): chr14-65076649-T-TCTCCAGTGCA. GRCh37 (hg19) VCF-style: chr14-65543367-T-TCTCCAGTGCA.
Other names: c.144+17049_144+17058dup (NM_001271069.2); c.171+17049_171+17058dup (NM_197957.4); c.111_120dup, p.Lys41fs (NM_001320415.2, NM_001407105.1, NM_001407106.1 and 1 more transcripts); c.300_309dup, p.Lys104fs (NM_001407094.1); c.273_282dup, p.Lys95fs (NM_001407095.1, NM_145112.3); c.*73_*82dup (NM_001407096.1, NM_001407099.1, NM_001407102.1 and 2 more transcripts); c.*89_*98dup (NM_001407097.1, NM_001407100.1, NM_001407101.1 and 4 more transcripts); c.192_201dup, p.Lys68fs (NM_001407098.1); and 1 more; short protein forms K95fs, K104fs, K41fs, K68fs, K37fs.
Identifiers: ClinVar variation 2743534 (VCV002743534.3), dbSNP rs2504176178, ClinGen allele CA2697553969.